The following is an entry in ClinVar:

ClinVar aggregate classification (germline): Benign/Likely benign. Review status: criteria provided, multiple submitters, no conflicts (2 of 4 stars). 10 submissions from 10 submitters: Benign (2); Likely benign (7). 1 of the submissions does not count toward it. Last evaluated 2026-09-01.

Conditions:
LYST-related disorder. Also called: LYST-related condition.
Autoinflammatory syndrome. Identifiers: Orphanet 93665, MedGen C3890737, MONDO:0019751.
Chédiak-Higashi syndrome (CHS). Also called: Chediak-Higashi Syndrome. Identifiers: Orphanet 167, MedGen C0007965, MONDO:0008963, OMIM 214500.

Allele frequency attached by ClinVar (database versions not stated): 1000 Genomes Project 0.00160; 1000 Genomes Project 30x 0.00187; gnomAD exomes 0.00597 and 0.00982; ExAC 0.00625; TOPMed 0.00626; gnomAD 0.00646 and 0.00669; ESP Exome Variant Server 0.00831.
gnomAD v4.1: 15,278 of 1,610,604 alleles (0.95%); highest among the groups gnomAD compares: Non-Finnish European, 1.2%; 83 homozygotes.

Submissions (10):

CeGaT Center for Human Genetics Tuebingen
Classification: Benign. Last evaluated: 2026-09-01. Review status: criteria provided, single submitter. Criteria: CeGaT Center For Human Genetics Tuebingen Variant Classification Criteria Version 2. Collection method: clinical testing. Allele origin: germline. Affected: yes. Observed: 12 variant alleles.
Comment: LYST: BP4, BS1, BS2

Labcorp Genetics (formerly Invitae), Labcorp
Classification: Benign for Chédiak-Higashi syndrome. Last evaluated: 2026-02-04. Review status: criteria provided, single submitter. Criteria: Invitae Variant Classification Sherloc (09022015). Collection method: clinical testing. Allele origin: germline.

Blueprint Genetics
Classification: Likely benign. Last evaluated: 2024-11-26. Review status: criteria provided, single submitter. Criteria: ACMG Guidelines, 2015. Collection method: clinical testing. Allele origin: germline.

Mayo Clinic Laboratories, Mayo Clinic
Classification: Likely benign. Last evaluated: 2023-10-30. Review status: criteria provided, single submitter. Criteria: ACMG Guidelines, 2015. Collection method: clinical testing. Allele origin: germline. Observed: 46 variant alleles.
Comment: BS1, BP4

Fulgent Genetics
Classification: Likely benign for Chédiak-Higashi syndrome. Last evaluated: 2021-08-24. Review status: criteria provided, single submitter. Criteria: ACMG Guidelines, 2015. Collection method: clinical testing. Allele origin: unknown.

Genome Diagnostics Laboratory, The Hospital for Sick Children
Classification: Likely benign for Autoinflammatory syndrome. Last evaluated: 2021-07-20. Review status: criteria provided, single submitter. Criteria: ACMG Guidelines, 2015. Collection method: clinical testing. Allele origin: germline. Affected: yes.

Eurofins Ntd Llc (ga)
Classification: Likely benign. Last evaluated: 2018-01-22. Review status: criteria provided, single submitter. Criteria: EGL Classification Definitions 2015. Collection method: clinical testing. Allele origin: germline. Observed: 1 variant allele, 1 heterozygote.

Genetic Services Laboratory, University of Chicago
Classification: Likely benign. Last evaluated: 2015-02-26. Review status: criteria provided, single submitter. Criteria: ACMG Guidelines, 2015. Collection method: clinical testing. Allele origin: germline.

Breakthrough Genomics
Classification: Likely benign. Review status: criteria provided, single submitter. Criteria: ACMG Guidelines, 2015. Collection method: not provided. Allele origin: germline. Inheritance: Autosomal recessive inheritance. Affected: yes.

PreventionGenetics, part of Exact Sciences
Classification: Benign for LYST-related condition. Last evaluated: 2019-09-20. Review status: no assertion criteria provided. Collection method: clinical testing. Allele origin: germline. Not counted in ClinVar's aggregate classification.
Comment: This variant is classified as benign based on ACMG/AMP sequence variant interpretation guidelines (Richards et al. 2015 PMID: 25741868, with internal and published modifications).

NM_000081.4(LYST):c.5945C>T (p.Thr1982Ile)

Gene: LYST (lysosomal trafficking regulator; minus strand). Cytogenetic location: 1q42.3.
Variant type: single nucleotide variant.
Coding change: c.5945C>T on transcript NM_000081.4 (MANE Select); coding-DNA position 5945, C replaced by T.
Protein change: p.Thr1982Ile; replaces threonine 1982 with isoleucine.
Molecular consequence: missense variant.
Genome position (GRCh38, 1-based): chr1:235,766,255, G>A on the plus strand (C>T on the coding strand, the complement: LYST is on the minus strand). VCF-style: chr1-235766255-G-A. GRCh37 (hg19) VCF-style: chr1-235929555-G-A.
Other names: p.Thr1982Ile; c.5945C>T, p.Thr1982Ile (NM_001301365.1); short protein forms T1982I.
Identifiers: ClinVar variation 211410 (VCV000211410.54), dbSNP rs146591126, ClinGen allele CA209782.